The following is an entry in ClinVar:

ClinVar aggregate classification (germline): Uncertain significance (1 of 4 stars; one submission).

Allele frequency attached by ClinVar (database versions not stated): TOPMed below 0.00001; gnomAD 0.00001.
gnomAD v4.1: 3 of 1,608,054 alleles (0.00019%); highest among the groups gnomAD compares: African/African-American, 0.0027%; no homozygotes.

Submission:

Labcorp Genetics (formerly Invitae), Labcorp
Classification: Uncertain significance. Last evaluated: 2022-06-18. Review status: criteria provided, single submitter. Criteria: Invitae Variant Classification Sherloc (09022015). Collection method: clinical testing. Allele origin: germline.
Comment: This variant is not present in population databases (gnomAD no frequency). In summary, the available evidence is currently insufficient to determine the role of this variant in disease. Therefore, it has been classified as a Variant of Uncertain Significance. Algorithms developed to predict the effect of missense changes on protein structure and function are either unavailable or do not agree on the potential impact of this missense change (SIFT: "Not Available"; PolyPhen-2: "Benign"; Align-GVGD: "Not Available"). This variant has not been reported in the literature in individuals affected with CEP250-related conditions. This sequence change replaces threonine, which is neutral and polar, with serine, which is neutral and polar, at codon 1234 of the CEP250 protein (p.Thr1234Ser).

NM_007186.6(CEP250):c.3700A>T (p.Thr1234Ser)

Gene: CEP250 (centrosomal protein 250; plus strand). Cytogenetic location: 20q11.22.
Variant type: single nucleotide variant.
Coding change: c.3700A>T on transcript NM_007186.6 (MANE Select); coding-DNA position 3700, A replaced by T.
Protein change: p.Thr1234Ser; replaces threonine 1234 with serine.
Molecular consequence: missense variant.
Genome position (GRCh38, 1-based): chr20:35,498,639, A>T. VCF-style: chr20-35498639-A-T. GRCh37 (hg19) VCF-style: chr20-34086468-A-T.
Other names: c.1804A>T, p.Thr602Ser (NM_001318219.1); short protein forms T1234S, T602S.
Identifiers: ClinVar variation 2004979 (VCV002004979.2), dbSNP rs895106109, ClinGen allele CA314157141.